The following is an entry in ClinVar:

ClinVar aggregate classification (germline): Uncertain significance (1 of 4 stars; one submission).

Submission:

CeGaT Center for Human Genetics Tuebingen
Classification: Uncertain significance. Last evaluated: 2026-05-01. Review status: criteria provided, single submitter. Criteria: CeGaT Center For Human Genetics Tuebingen Variant Classification Criteria Version 2. Collection method: clinical testing. Allele origin: germline. Affected: yes. Observed: 1 variant allele.
Comment: ARFGEF1: PM2, PP2

NM_006421.5(ARFGEF1):c.3208T>C (p.Ser1070Pro)

Gene: ARFGEF1 (ARF guanine nucleotide exchange factor 1; minus strand). Cytogenetic location: 8q13.2.
Variant type: single nucleotide variant.
Coding change: c.3208T>C on transcript NM_006421.5 (MANE Select); coding-DNA position 3208, T replaced by C.
Protein change: p.Ser1070Pro; replaces serine 1070 with proline.
Molecular consequence: missense variant. On other transcripts: non-coding transcript variant (1).
Genome position (GRCh38, 1-based): chr8:67,238,424, A>G on the plus strand (T>C on the coding strand, the complement: ARFGEF1 is on the minus strand). VCF-style: chr8-67238424-A-G. GRCh37 (hg19) VCF-style: chr8-68150659-A-G.
Other names: c.2608T>C, p.Ser870Pro (NM_001413188.1, NM_001413193.1, NM_001413197.1); c.3208T>C, p.Ser1070Pro (NM_001413189.1, NM_001413191.1, NM_001413192.1 and 6 more transcripts); c.3202T>C, p.Ser1068Pro (NM_001413190.1); c.1783T>C, p.Ser595Pro (NM_001413196.1); short protein forms S1068P, S1070P, S595P, S870P.
Identifiers: ClinVar variation 4874947 (VCV004874947.2).